The following is an entry in ClinVar:

NM_015137.6(EFR3A):c.2311-9T>A

Gene: EFR3A (EFR3 homolog A; plus strand). Cytogenetic location: 8q24.22.
Variant type: single nucleotide variant.
Coding change: c.2311-9T>A on transcript NM_015137.6 (MANE Select); 9 bases into the intron before coding-DNA position 2311, T replaced by A.
Molecular consequence: intron variant.
Genome position (GRCh38, 1-based): chr8:132,003,227, T>A. VCF-style: chr8-132003227-T-A. GRCh37 (hg19) VCF-style: chr8-133015474-T-A.
Other names: c.2203-9T>A (NM_001323555.2, NM_001323554.2, NM_001323553.2 and 2 more transcripts); c.2362-9T>A (NM_001323558.2).
Identifiers: ClinVar variation 3039642 (VCV003039642.2), dbSNP rs370099434, ClinGen allele CA4879382.
Genomic context (GRCh38, chr8:132,003,227, plus strand): 5'-TACATTGATATTATTATATATAGATACCTAGAAAATAAACCATTCTTAACATTTTTTTCT[T>A]TTTTGCAGGCAAATTTGCTTCATGATAGACTTGCCCAAATATTGGAACTCACCATACGGT-3'

ClinVar aggregate classification (germline): Benign (0 of 4 stars; one submission).

Conditions:
EFR3A-related disorder. Also called: EFR3A-related condition.

Allele frequency attached by ClinVar (database versions not stated): ESP Exome Variant Server 0.00008; gnomAD exomes 0.00021; ExAC 0.00079; 1000 Genomes Project 0.00200; 1000 Genomes Project 30x 0.00234; gnomAD 0.00234; TOPMed 0.00257.
gnomAD v4.1: 673 of 1,612,216 alleles (0.042%); highest among the groups gnomAD compares: African/African-American, 0.81%; 4 homozygotes.

Submission:

PreventionGenetics, part of Exact Sciences
Classification: Benign for EFR3A-related condition. Last evaluated: 2019-05-21. Review status: no assertion criteria provided. Collection method: clinical testing. Allele origin: germline.
Comment: This variant is classified as benign based on ACMG/AMP sequence variant interpretation guidelines (Richards et al. 2015 PMID: 25741868, with internal and published modifications).